The following is an entry in ClinVar:

ClinVar aggregate classification (germline): Uncertain significance. Review status: criteria provided, multiple submitters, no conflicts (2 of 4 stars). 4 submissions from 4 submitters: Uncertain significance (4). Last evaluated 2025-04-01.

Conditions:
Developmental and epileptic encephalopathy, 18 (DEE18). Also called: Early infantile epileptic encephalopathy 18. Identifiers: Orphanet 369894, MedGen C3809624, MONDO:0014201, OMIM 615476.
Inborn genetic diseases. Identifiers: MedGen C0950123, MeSH D030342.

Allele frequency attached by ClinVar (database versions not stated): gnomAD 0.00001; ExAC 0.00002; gnomAD exomes 0.00002 and 0.00003; TOPMed 0.00002.
gnomAD v4.1: 46 of 1,605,438 alleles (0.0029%); highest among the groups gnomAD compares: Non-Finnish European, 0.0034%; no homozygotes.

Submissions (4):

Ambry Genetics
Classification: Uncertain significance for Inborn genetic diseases. Last evaluated: 2025-04-01. Review status: criteria provided, single submitter. Criteria: Ambry Variant Classification Scheme 2023. Collection method: clinical testing. Allele origin: germline.

Institute of Human Genetics, University of Leipzig Medical Center
Classification: Uncertain significance for Developmental and epileptic encephalopathy, 18. Last evaluated: 2023-12-18. Review status: criteria provided, single submitter. Criteria: ACMG Guidelines, 2015. Collection method: clinical testing. Allele origin: unknown. Inheritance: Autosomal recessive inheritance. Affected: yes.
Comment: Criteria applied: PS4_SUP,PM2_SUP

Blueprint Genetics
Classification: Uncertain significance. Last evaluated: 2023-09-16. Review status: criteria provided, single submitter. Criteria: ACMG Guidelines, 2015. Collection method: clinical testing. Allele origin: germline.

Labcorp Genetics (formerly Invitae), Labcorp
Classification: Uncertain significance. Last evaluated: 2022-06-05. Review status: criteria provided, single submitter. Criteria: Invitae Variant Classification Sherloc (09022015). Collection method: clinical testing. Allele origin: germline.
Comment: This sequence change replaces phenylalanine, which is neutral and non-polar, with cysteine, which is neutral and slightly polar, at codon 1721 of the SZT2 protein (p.Phe1721Cys). This variant is present in population databases (rs771463216, gnomAD 0.003%). This variant has not been reported in the literature in individuals affected with SZT2-related conditions. ClinVar contains an entry for this variant (Variation ID: 954340). Algorithms developed to predict the effect of missense changes on protein structure and function output the following: SIFT: "Deleterious"; PolyPhen-2: "Benign"; Align-GVGD: "Class C55". The cysteine amino acid residue is found in multiple mammalian species, which suggests that this missense change does not adversely affect protein function. Algorithms developed to predict the effect of sequence changes on RNA splicing suggest that this variant may disrupt the consensus splice site. In summary, the available evidence is currently insufficient to determine the role of this variant in disease. Therefore, it has been classified as a Variant of Uncertain Significance.

NM_001365999.1(SZT2):c.5333T>G (p.Phe1778Cys)

Gene: SZT2 (SZT2 subunit of KICSTOR complex; plus strand). Cytogenetic location: 1p34.2.
Variant type: single nucleotide variant.
Coding change: c.5333T>G on transcript NM_001365999.1 (MANE Select); coding-DNA position 5333, T replaced by G.
Protein change: p.Phe1778Cys; replaces phenylalanine 1778 with cysteine.
Molecular consequence: missense variant.
Genome position (GRCh38, 1-based): chr1:43,432,330, T>G. VCF-style: chr1-43432330-T-G. GRCh37 (hg19) VCF-style: chr1-43898001-T-G.
Other names: c.5162T>G, p.Phe1721Cys (NM_015284.4); short protein forms F1721C, F1778C.
Identifiers: ClinVar variation 954340 (VCV000954340.7), dbSNP rs771463216, ClinGen allele CA809546.